The following is an entry in ClinVar:

ClinVar aggregate classification (germline): Uncertain significance (1 of 4 stars; one submission).

Conditions:
Neuroblastoma, susceptibility to, 3. Also called: ALK-Related Neuroblastic Tumor Susceptibility. Identifiers: Orphanet 635, MedGen C2751681, MONDO:0013083, OMIM 613014.

Allele frequency attached by ClinVar (database versions not stated): gnomAD exomes below 0.00001; TOPMed below 0.00001.

Submission:

Labcorp Genetics (formerly Invitae), Labcorp
Classification: Uncertain significance for Neuroblastoma, susceptibility to, 3. Last evaluated: 2024-11-04. Review status: criteria provided, single submitter. Criteria: Invitae Variant Classification Sherloc (09022015). Collection method: clinical testing. Allele origin: germline.
Comment: This sequence change replaces glycine, which is neutral and non-polar, with serine, which is neutral and polar, at codon 1018 of the ALK protein (p.Gly1018Ser). This variant is present in population databases (no rsID available, gnomAD 0.006%). This variant has not been reported in the literature in individuals affected with ALK-related conditions. ClinVar contains an entry for this variant (Variation ID: 404327). An algorithm developed to predict the effect of missense changes on protein structure and function (PolyPhen-2) suggests that this variant is likely to be disruptive. In summary, the available evidence is currently insufficient to determine the role of this variant in disease. Therefore, it has been classified as a Variant of Uncertain Significance.

NM_004304.5(ALK):c.3052G>A (p.Gly1018Ser)

Gene: ALK (ALK receptor tyrosine kinase; minus strand). Cytogenetic location: 2p23.2.
Variant type: single nucleotide variant.
Coding change: c.3052G>A on transcript NM_004304.5 (MANE Select); coding-DNA position 3052, G replaced by A.
Protein change: p.Gly1018Ser; replaces glycine 1018 with serine.
Molecular consequence: missense variant.
Genome position (GRCh38, 1-based): chr2:29,226,937, C>T on the plus strand (G>A on the coding strand, the complement: ALK is on the minus strand). VCF-style: chr2-29226937-C-T. GRCh37 (hg19) VCF-style: chr2-29449803-C-T.
Other names: short protein forms G1018S.
Identifiers: ClinVar variation 404327 (VCV000404327.10), dbSNP rs1060500212, ClinGen allele CA16610790.